The following is an entry in ClinVar:

NM_153252.5(BRWD3):c.568C>G (p.Arg190Gly)

Gene: BRWD3 (bromodomain and WD repeat domain containing 3; minus strand). Cytogenetic location: Xq21.1.
Variant type: single nucleotide variant.
Coding change: c.568C>G on transcript NM_153252.5 (MANE Select); coding-DNA position 568, C replaced by G.
Protein change: p.Arg190Gly; replaces arginine 190 with glycine.
Molecular consequence: missense variant.
Genome position (GRCh38, 1-based): chrX:80,745,592, G>C on the plus strand (C>G on the coding strand, the complement: BRWD3 is on the minus strand). VCF-style: chrX-80745592-G-C. GRCh37 (hg19) VCF-style: chrX-80001091-G-C.
Other names: c.568C>G, p.Arg190Gly (NM_001441339.1); short protein forms R190G.
Identifiers: ClinVar variation 4531359 (VCV004531359.1).
Genomic context (GRCh38, chrX:80,745,592, plus strand): 5'-TCTATATATGTTACCATATTATAAATTTTACACTCACTGTAAAAATTCTTCTCCCGCTTC[G>C]GTCAAATGCTACACAGTAGACAGATGACAAGTGCCCCAGAATTCTCTTATGCATCTTAAT-3'
Protein context (NP_694984.5, residues 180-200): LSSVYCVAFD[Arg190Gly]SGRRIFTGSD

ClinVar aggregate classification (germline): Uncertain significance (1 of 4 stars; one submission).

Conditions:
Intellectual developmental disorder, X-linked 93. Also called: MENTAL RETARDATION, X-LINKED, WITH MACROCEPHALY; Intellectual disability, X-linked 93. Identifiers: MedGen C1970841, MONDO:0010393, OMIM 300659.

Submission:

Victorian Clinical Genetics Services, Murdoch Childrens Research Institute
Classification: Uncertain significance for Intellectual developmental disorder, X-linked 93. Last evaluated: 2025-08-26. Review status: criteria provided, single submitter. Criteria: ACMG Guidelines, 2015. Collection method: clinical testing. Allele origin: germline. Affected: yes.
Comment: This variant is classified as VUS-3A. Evidence in support of pathogenic classification: Variant is absent from gnomAD (v2, v3 and v4); Another missense variant comparable to the one identified in this case has limited previous evidence for pathogenicity. Missense variant predicted to be damaging by in silico tool(s) or highly conserved with a major amino acid change. Additional information: Variant is predicted to result in a missense amino acid change from Arg to Gly; This variant is hemizygous; This gene is associated with X-linked disease. Affected heterozygous females have been reported (PMIDs: 17668385, 36514184, 36414205); Alternative amino acid change(s) at the same position are present in gnomAD (v4: 1 heterozygote(s), 0 homozygote(s), 1 hemizygote(s)); This variant has no previous evidence of pathogenicity; No published evidence of segregation with disease has been identified for this variant; No published functional evidence has been identified for this variant; Variant is located in the annotated WD domain, G-beta repeat (DECIPHER); Loss of function is a known mechanism of disease in this gene and is associated with intellectual developmental disorder, X-linked 93 (MIM#300659); Inheritance information for this variant is not currently available in this individual.

Literature cited by the submitters: PubMed 36514184; PubMed 39283677; PubMed 36414205; PubMed 17668385.